The following is an entry in ClinVar:

ClinVar aggregate classification (germline): Uncertain significance (1 of 4 stars; one submission).

Conditions:
Spermatogenic failure 18. Identifiers: MedGen C4539783, MONDO:0054615, OMIM 617576.
Ciliary dyskinesia, primary, 37 (CILD37). Also called: CILIARY DYSKINESIA, PRIMARY, 37, WITH OR WITHOUT SITUS INVERSUS. Identifiers: MedGen C4539798, MONDO:0033204, OMIM 617577.

Submission:

Labcorp Genetics (formerly Invitae), Labcorp
Classification: Uncertain significance for Ciliary dyskinesia, primary, 37; Spermatogenic failure 18. Last evaluated: 2024-12-06. Review status: criteria provided, single submitter. Criteria: Invitae Variant Classification Sherloc (09022015). Collection method: clinical testing. Allele origin: germline.
Comment: This sequence change replaces glutamic acid, which is acidic and polar, with lysine, which is basic and polar, at codon 863 of the DNAH1 protein (p.Glu863Lys). This variant is present in population databases (rs772337894, gnomAD 0.006%). This variant has not been reported in the literature in individuals affected with DNAH1-related conditions. Invitae Evidence Modeling of protein sequence and biophysical properties (such as structural, functional, and spatial information, amino acid conservation, physicochemical variation, residue mobility, and thermodynamic stability) has been performed for this missense variant. However, the output from this modeling did not meet the statistical confidence thresholds required to predict the impact of this variant on DNAH1 protein function. In summary, the available evidence is currently insufficient to determine the role of this variant in disease. Therefore, it has been classified as a Variant of Uncertain Significance.

NM_015512.5(DNAH1):c.2587G>A (p.Glu863Lys)

Gene: DNAH1 (dynein axonemal heavy chain 1; plus strand). Cytogenetic location: 3p21.1.
Variant type: single nucleotide variant.
Coding change: c.2587G>A on transcript NM_015512.5 (MANE Select); coding-DNA position 2587, G replaced by A.
Protein change: p.Glu863Lys; replaces glutamic acid 863 with lysine.
Molecular consequence: missense variant.
Genome position (GRCh38, 1-based): chr3:52,350,049, G>A. VCF-style: chr3-52350049-G-A. GRCh37 (hg19) VCF-style: chr3-52384065-G-A.
Other names: short protein forms E863K.
Identifiers: ClinVar variation 3762662 (VCV003762662.2).
Genomic context (GRCh38, chr3:52,350,049, plus strand): 5'-ATCTGCGAGGAGTTCCGCAGCATCAGCCGCAAGATCTATGAGAAGCCCAACAGCATTGAG[G>A]AGCTGGCTGAGCTGCGAGAGTGGATGAAGGGCATCCCGGAGAGGCTGGTGGGCCTGGAGG-3'
Protein context (NP_056327.4, residues 853-873): KIYEKPNSIE[Glu863Lys]LAELREWMKG